The following is an entry in ClinVar:

ClinVar aggregate classification (germline): Uncertain significance (1 of 4 stars; one submission).

Conditions:
Inborn genetic diseases. Identifiers: MedGen C0950123, MeSH D030342.

gnomAD v4.1: 1 of 1,609,106 alleles (0.000062%); highest among the groups gnomAD compares: South Asian, 0.0011%; no homozygotes.

Submission:

Ambry Genetics
Classification: Uncertain significance for Inborn genetic diseases. Last evaluated: 2025-10-26. Review status: criteria provided, single submitter. Criteria: Ambry Variant Classification Scheme 2023. Collection method: clinical testing. Allele origin: germline.
Comment: The p.D1155G variant (also known as c.3464A>G), located in coding exon 16 of the MECOM gene, results from an A to G substitution at nucleotide position 3464. The aspartic acid at codon 1155 is replaced by glycine, an amino acid with similar properties. This amino acid position is conserved. In addition, the in silico prediction for this alteration is inconclusive. Based on the available evidence, the clinical significance of this variant remains unclear.

NM_004991.4(MECOM):c.3464A>G (p.Asp1155Gly)

Gene: MECOM (MDS1 and EVI1 complex locus; minus strand). Cytogenetic location: 3q26.2.
Variant type: single nucleotide variant.
Coding change: c.3464A>G on transcript NM_004991.4 (MANE Select); coding-DNA position 3464, A replaced by G.
Protein change: p.Asp1155Gly; replaces aspartic acid 1155 with glycine.
Molecular consequence: missense variant.
Genome position (GRCh38, 1-based): chr3:169,089,121, T>C on the plus strand (A>G on the coding strand, the complement: MECOM is on the minus strand). VCF-style: chr3-169089121-T-C. GRCh37 (hg19) VCF-style: chr3-168806909-T-C.
Other names: c.3095A>G, p.Asp1032Gly (NM_001105077.4); c.2900A>G, p.Asp967Gly (NM_001105078.4, NM_001205194.2, NM_001366469.2 and 1 more transcripts); c.2876A>G, p.Asp959Gly (NM_001163999.2, NM_001366470.2); c.2873A>G, p.Asp958Gly (NM_001164000.2, NM_001366471.2, NM_001366472.2); c.3437A>G, p.Asp1146Gly (NM_001366466.2); c.2903A>G, p.Asp968Gly (NM_001366467.2, NM_001366468.2); c.2465A>G, p.Asp822Gly (NM_001366473.2); c.1901A>G, p.Asp634Gly (NM_001366474.2); short protein forms D958G, D968G, D634G, D822G, D967G, D1032G, D1146G, D1155G.
Identifiers: ClinVar variation 4624665 (VCV004624665.1).